The following is an entry in ClinVar:

ClinVar aggregate classification (germline): Uncertain significance (0 of 4 stars; one submission).

Conditions:
NSD2-related disorder. Also called: NSD2 related disorders; NSD2-related condition.

Submission:

PreventionGenetics, part of Exact Sciences
Classification: Uncertain significance for NSD2-related condition. Last evaluated: 2024-01-04. Review status: no assertion criteria provided. Collection method: clinical testing. Allele origin: germline.
Comment: The NSD2 c.3947C>T variant is predicted to result in the amino acid substitution p.Thr1316Ile. To our knowledge, this variant has not been reported in the literature or in a large population database, indicating this variant is rare. At this time, the clinical significance of this variant is uncertain due to the absence of conclusive functional and genetic evidence.

NM_001042424.3(NSD2):c.3947C>T (p.Thr1316Ile)

Gene: NSD2 (nuclear receptor binding SET domain protein 2; plus strand). Cytogenetic location: 4p16.3.
Variant type: single nucleotide variant.
Coding change: c.3947C>T on transcript NM_001042424.3 (MANE Select); coding-DNA position 3947, C replaced by T.
Protein change: p.Thr1316Ile; replaces threonine 1316 with isoleucine.
Molecular consequence: missense variant.
Genome position (GRCh38, 1-based): chr4:1,978,758, C>T. VCF-style: chr4-1978758-C-T. GRCh37 (hg19) VCF-style: chr4-1980485-C-T.
Other names: c.3947C>T, p.Thr1316Ile (NM_133330.3, NM_133331.3, NM_133335.4); short protein forms T1316I.
Identifiers: ClinVar variation 2631670 (VCV002631670.3), dbSNP rs1268072056, ClinGen allele CA356005786.